The following is an entry in ClinVar:

ClinVar aggregate classification (germline): Uncertain significance (1 of 4 stars; one submission).

Conditions:
Hereditary cancer-predisposing syndrome. Also called: Neoplastic Syndromes, Hereditary; Tumor predisposition; Hereditary Cancer Syndrome; Hereditary neoplastic syndrome. Identifiers: Orphanet 140162, MedGen C0027672, MeSH D009386, MONDO:0015356.

Submission:

Ambry Genetics
Classification: Uncertain significance for Hereditary cancer-predisposing syndrome. Last evaluated: 2025-06-07. Review status: criteria provided, single submitter. Criteria: Ambry Variant Classification Scheme 2023. Collection method: clinical testing. Allele origin: germline.
Comment: The p.V646G variant (also known as c.1937T>G), located in coding exon 17 of the MRE11A gene, results from a T to G substitution at nucleotide position 1937. The valine at codon 646 is replaced by glycine, an amino acid with dissimilar properties. This amino acid position is well conserved in available vertebrate species. In addition, this alteration is predicted to be tolerated by in silico analysis. Since supporting evidence is limited at this time, the clinical significance of this alteration remains unclear.

NM_005591.4(MRE11):c.1937T>G (p.Val646Gly)

Gene: MRE11 (MRE11 double strand break repair nuclease; minus strand). Cytogenetic location: 11q21.
Variant type: single nucleotide variant.
Coding change: c.1937T>G on transcript NM_005591.4 (MANE Select); coding-DNA position 1937, T replaced by G.
Protein change: p.Val646Gly; replaces valine 646 with glycine.
Molecular consequence: missense variant.
Genome position (GRCh38, 1-based): chr11:94,435,889, A>C on the plus strand (T>G on the coding strand, the complement: MRE11 is on the minus strand). VCF-style: chr11-94435889-A-C. GRCh37 (hg19) VCF-style: chr11-94169055-A-C.
Other names: c.1934T>G, p.Val645Gly (NM_001330347.2); c.1853T>G, p.Val618Gly (NM_005590.4); short protein forms V645G, V618G, V646G.
Identifiers: ClinVar variation 820366 (VCV000820366.5), dbSNP rs1555002076, ClinGen allele CA382374141.